The following is an entry in ClinVar:

NM_007254.4(PNKP):c.349G>C (p.Asp117His)

Gene: PNKP (polynucleotide kinase 3'-phosphatase; minus strand). Cytogenetic location: 19q13.33.
Variant type: single nucleotide variant.
Coding change: c.349G>C on transcript NM_007254.4 (MANE Select); coding-DNA position 349, G replaced by C.
Protein change: p.Asp117His; replaces aspartic acid 117 with histidine.
Molecular consequence: missense variant.
Genome position (GRCh38, 1-based): chr19:49,865,276, C>G on the plus strand (G>C on the coding strand, the complement: PNKP is on the minus strand). VCF-style: chr19-49865276-C-G. GRCh37 (hg19) VCF-style: chr19-50368533-C-G.
Other names: short protein forms D117H.
Identifiers: ClinVar variation 1979788 (VCV001979788.1), dbSNP rs1158621575, ClinGen allele CA406890084.

ClinVar aggregate classification (germline): Uncertain significance (1 of 4 stars; one submission).

Conditions:
Developmental and epileptic encephalopathy, 12 (DEE12). Identifiers: MedGen C3150988, MONDO:0013389, OMIM 613722.

Allele frequency attached by ClinVar (database versions not stated): TOPMed 0.00001; gnomAD exomes 0.00005.

Submission:

Labcorp Genetics (formerly Invitae), Labcorp
Classification: Uncertain significance for Developmental and epileptic encephalopathy, 12. Last evaluated: 2022-07-01. Review status: criteria provided, single submitter. Criteria: Invitae Variant Classification Sherloc (09022015). Collection method: clinical testing. Allele origin: germline.
Comment: This sequence change replaces aspartic acid, which is acidic and polar, with histidine, which is basic and polar, at codon 117 of the PNKP protein (p.Asp117His). This variant is present in population databases (no rsID available, gnomAD 0.007%). This variant has not been reported in the literature in individuals affected with PNKP-related conditions. Algorithms developed to predict the effect of missense changes on protein structure and function are either unavailable or do not agree on the potential impact of this missense change (SIFT: "Deleterious"; PolyPhen-2: "Possibly Damaging"; Align-GVGD: "Class C0"). Algorithms developed to predict the effect of sequence changes on RNA splicing suggest that this variant may create or strengthen a splice site. In summary, the available evidence is currently insufficient to determine the role of this variant in disease. Therefore, it has been classified as a Variant of Uncertain Significance.